The following is an entry in ClinVar:

ClinVar aggregate classification (germline): Pathogenic (1 of 4 stars; one submission).

Allele frequency attached by ClinVar (database versions not stated): gnomAD exomes below 0.00001; ExAC 0.00001.
gnomAD v4.1: 2 of 1,612,108 alleles (0.00012%); highest among the groups gnomAD compares: South Asian, 0.0022%; no homozygotes.

Submission:

GeneDx
Classification: Pathogenic. Last evaluated: 2014-06-23. Review status: criteria provided, single submitter. Criteria: GeneDx Variant Classification (06012015). Collection method: clinical testing. Allele origin: germline. Affected: yes.
Comment: p.Trp14461Stop (TGG>TGA): c.43383 G>A in exon 207 of the TTN gene (NM_001256850.1). The W14461X mutation in the TTN gene has not been reported as a disease-causing mutation or as a benign polymorphism to our knowledge. W14461X is predicted to cause loss of normal protein function either by protein truncation or nonsense-mediated mRNA decay. Other truncating TTN variants have been reported in approximately 3% of control alleles (Herman D et al., 2012). However, W14461X is located in the A-band region of titin, where the majority of truncating mutations associated with DCM have been reported (Herman D et al., 2012). Furthermore, W14461X was not observed in approximately 6,000 individuals of European and African American ancestry in the NHLBI Exome Sequencing Project, indicating it is not a common benign variant in these populations.In summary, W14461X in the TTN gene is interpreted as a disease-causing mutation. The variant is found in DCM-CRDM panel(s).

NM_001267550.2(TTN):c.48306G>A (p.Trp16102Ter)

Genes: TTN (titin; minus strand), TTN-AS1 (TTN antisense RNA 1; plus strand). Cytogenetic location: 2q31.2.
Variant type: single nucleotide variant.
Coding change: c.48306G>A on transcript NM_001267550.2 (MANE Select); coding-DNA position 48306, G replaced by A.
Protein change: p.Trp16102Ter; replaces tryptophan 16102 with a stop codon.
Molecular consequence: nonsense.
Genome position (GRCh38, 1-based): chr2:178,616,485, C>T on the plus strand (G>A on the coding strand, the complement: TTN is on the minus strand). VCF-style: chr2-178616485-C-T. GRCh37 (hg19) VCF-style: chr2-179481212-C-T.
Other names: p.W14461*:TGG>TGA; c.43383G>A, p.Trp14461Ter (NM_001256850.1); c.21111G>A, p.Trp7037Ter (NM_003319.4); c.40602G>A, p.Trp13534Ter (NM_133378.4); c.21486G>A, p.Trp7162Ter (NM_133432.3); c.21687G>A, p.Trp7229Ter (NM_133437.4); short protein forms W14461*, W16102*, W13534*, W7037*, W7162*, W7229*.
Identifiers: ClinVar variation 202372 (VCV000202372.4), dbSNP rs771672410, ClinGen allele CA309225.